The following is an entry in ClinVar:

ClinVar aggregate classification (germline): Conflicting classifications of pathogenicity. Review status: criteria provided, conflicting classifications (1 of 4 stars). 3 submissions from 3 submitters: Uncertain significance (2); Likely benign (1). Last evaluated 2025-04-29.

Conditions:
Hereditary nonpolyposis colorectal neoplasms. Identifiers: MedGen C0009405, MeSH D003123.
Hereditary cancer-predisposing syndrome. Also called: Hereditary Cancer Syndrome; Neoplastic Syndromes, Hereditary; Tumor predisposition; Hereditary neoplastic syndrome. Identifiers: Orphanet 140162, MedGen C0027672, MeSH D009386, MONDO:0015356.

Allele frequency attached by ClinVar (database versions not stated): gnomAD exomes below 0.00001; gnomAD 0.00001.

Submissions (3):

Dasa
Classification: Uncertain significance. Last evaluated: 2025-04-29. Review status: criteria provided, single submitter. Criteria: DASA Assertion Criteria. Collection method: clinical testing. Allele origin: germline.
Comment: NM_000179.3(MSH6):c.3549A>G (p.Ile1183Met) is a missense variant that results in the substitution of isoleucine with methionine. This variant is rare in population databases. Computational prediction algorithms are consistent with a deleterious effect. The currently available literature and clinical evidence are not sufficient to establish a definitive association between this variant and the reported condition. Therefore, this variant is classified as a variant of uncertain significance.

Ambry Genetics
Classification: Uncertain significance for Hereditary cancer-predisposing syndrome. Last evaluated: 2025-02-01. Review status: criteria provided, single submitter. Criteria: Ambry Variant Classification Scheme 2023. Collection method: clinical testing. Allele origin: germline.
Comment: The p.I1183M variant (also known as c.3549A>G), located in coding exon 6 of the MSH6 gene, results from an A to G substitution at nucleotide position 3549. The isoleucine at codon 1183 is replaced by methionine, an amino acid with highly similar properties. This amino acid position is highly conserved in available vertebrate species. In addition, this alteration is predicted to be deleterious by in silico analysis. Since supporting evidence is limited at this time, the clinical significance of this alteration remains unclear.

Labcorp Genetics (formerly Invitae), Labcorp
Classification: Likely benign for Hereditary nonpolyposis colorectal neoplasms. Last evaluated: 2025-01-06. Review status: criteria provided, single submitter. Criteria: Invitae Variant Classification Sherloc (09022015). Collection method: clinical testing. Allele origin: germline.

NM_000179.3(MSH6):c.3549A>G (p.Ile1183Met)

Gene: MSH6 (mutS homolog 6; plus strand). Cytogenetic location: 2p16.3.
Variant type: single nucleotide variant.
Coding change: c.3549A>G on transcript NM_000179.3 (MANE Select); coding-DNA position 3549, A replaced by G.
Protein change: p.Ile1183Met; replaces isoleucine 1183 with methionine.
Molecular consequence: missense variant.
Genome position (GRCh38, 1-based): chr2:47,805,020, A>G. VCF-style: chr2-47805020-A-G. GRCh37 (hg19) VCF-style: chr2-48032159-A-G.
Other names: c.3159A>G, p.Ile1053Met (NM_001281492.2); c.2643A>G, p.Ile881Met (NM_001281493.2, NM_001281494.2); short protein forms I1053M, I1183M, I881M.
Identifiers: ClinVar variation 823910 (VCV000823910.13), dbSNP rs1453695821, ClinGen allele CA346760264.